The following is an entry in ClinVar:

ClinVar aggregate classification (germline): Uncertain significance. Review status: criteria provided, multiple submitters, no conflicts (2 of 4 stars). 3 submissions from 3 submitters: Uncertain significance (3). Last evaluated 2025-09-02.

Conditions:
Bethlem myopathy 1A. Also called: Bethlem Muscular Dystrophy; MYOPATHY, BENIGN CONGENITAL, WITH CONTRACTURES; Bethlem myopathy 1. Identifiers: Orphanet 610, MedGen CN029274, MONDO:0024530, OMIM 158810.

Allele frequency attached by ClinVar (database versions not stated): ExAC 0.00003; gnomAD exomes 0.00003 and 0.00005; gnomAD 0.00006; TOPMed 0.00009.
gnomAD v4.1: 86 of 1,613,900 alleles (0.0053%); highest among the groups gnomAD compares: Admixed American, 0.012%; no homozygotes.

Submissions (3):

Labcorp Genetics (formerly Invitae), Labcorp
Classification: Uncertain significance for Bethlem myopathy 1A. Last evaluated: 2025-09-02. Review status: criteria provided, single submitter. Criteria: Invitae Variant Classification Sherloc (09022015). Collection method: clinical testing. Allele origin: germline.
Comment: This sequence change replaces alanine, which is neutral and non-polar, with valine, which is neutral and non-polar, at codon 1315 of the COL6A3 protein (p.Ala1315Val). This variant is present in population databases (rs778458923, gnomAD 0.005%). This missense change has been observed in individual(s) with clinical suspicion of limb-girdle muscular dystrophy (PMID: 30564623). ClinVar contains an entry for this variant (Variation ID: 287136). Invitae Evidence Modeling of protein sequence and biophysical properties (such as structural, functional, and spatial information, amino acid conservation, physicochemical variation, residue mobility, and thermodynamic stability) indicates that this missense variant is expected to disrupt COL6A3 protein function with a positive predictive value of 80%. In summary, the available evidence is currently insufficient to determine the role of this variant in disease. Therefore, it has been classified as a Variant of Uncertain Significance.

Mayo Clinic Laboratories, Mayo Clinic
Classification: Uncertain significance. Last evaluated: 2024-07-05. Review status: criteria provided, single submitter. Criteria: ACMG Guidelines, 2015. Collection method: clinical testing. Allele origin: germline. Observed: 1 variant allele.
Comment: PP3

Eurofins Ntd Llc (ga)
Classification: Uncertain significance. Last evaluated: 2016-03-29. Review status: criteria provided, single submitter. Criteria: EGL Classification Definitions 2015. Collection method: clinical testing. Allele origin: germline. Observed: 1 variant allele, 1 heterozygote.

Literature cited by the submitters: PubMed 30564623 (cited by Labcorp Genetics (formerly Invitae), Labcorp and Mayo Clinic Laboratories, Mayo Clinic).

NM_004369.4(COL6A3):c.3944C>T (p.Ala1315Val)

Gene: COL6A3 (collagen type VI alpha 3 chain; minus strand). Cytogenetic location: 2q37.3.
Variant type: single nucleotide variant.
Coding change: c.3944C>T on transcript NM_004369.4 (MANE Select); coding-DNA position 3944, C replaced by T.
Protein change: p.Ala1315Val; replaces alanine 1315 with valine.
Molecular consequence: missense variant.
Genome position (GRCh38, 1-based): chr2:237,372,073, G>A on the plus strand (C>T on the coding strand, the complement: COL6A3 is on the minus strand). VCF-style: chr2-237372073-G-A. GRCh37 (hg19) VCF-style: chr2-238280716-G-A.
Other names: p.Ala1315Val; c.2723C>T, p.Ala908Val (NM_057164.5); c.3326C>T, p.Ala1109Val (NM_057165.5, NM_057167.4); c.2123C>T, p.Ala708Val (NM_057166.5); short protein forms A1315V, A1109V, A708V, A908V.
Identifiers: ClinVar variation 287136 (VCV000287136.14), dbSNP rs778458923, ClinGen allele CA2189033.